The following is an entry in ClinVar:

ClinVar aggregate classification (germline): Benign/Likely benign. Review status: criteria provided, multiple submitters, no conflicts (2 of 4 stars). 4 submissions from 4 submitters: Benign (2); Likely benign (2). Last evaluated 2026-01-26.

Conditions:
Inborn genetic diseases. Identifiers: MedGen C0950123, MeSH D030342.

Allele frequency attached by ClinVar (database versions not stated): gnomAD exomes 0.00019 and 0.00063; ExAC 0.00089; gnomAD 0.00226; TOPMed 0.00238; 1000 Genomes Project 0.00280; ESP Exome Variant Server 0.00308; 1000 Genomes Project 30x 0.00312.
gnomAD v4.1: 627 of 1,613,356 alleles (0.039%); highest among the groups gnomAD compares: African/African-American, 0.76%; 2 homozygotes.

Submissions (4):

Labcorp Genetics (formerly Invitae), Labcorp
Classification: Benign. Last evaluated: 2026-01-26. Review status: criteria provided, single submitter. Criteria: Invitae Variant Classification Sherloc (09022015). Collection method: clinical testing. Allele origin: germline.

Ambry Genetics
Classification: Likely benign for Inborn genetic diseases. Last evaluated: 2025-09-28. Review status: criteria provided, single submitter. Criteria: Ambry Variant Classification Scheme 2023. Collection method: clinical testing. Allele origin: germline.

Eurofins Ntd Llc (ga)
Classification: Benign. Last evaluated: 2016-12-19. Review status: criteria provided, single submitter. Criteria: EGL Classification Definitions 2015. Collection method: clinical testing. Allele origin: germline. Observed: 1 variant allele, 1 heterozygote.

GeneDx
Classification: Likely benign. Last evaluated: 2016-12-14. Review status: criteria provided, single submitter. Criteria: GeneDx Variant Classification (06012015). Collection method: clinical testing. Allele origin: germline. Affected: yes.
Comment: This variant is considered likely benign or benign based on one or more of the following criteria: it is a conservative change, it occurs at a poorly conserved position in the protein, it is predicted to be benign by multiple in silico algorithms, and/or has population frequency not consistent with disease.

NM_006059.4(LAMC3):c.3347C>G (p.Ala1116Gly)

Gene: LAMC3 (laminin subunit gamma 3; plus strand). Cytogenetic location: 9q34.12.
Variant type: single nucleotide variant.
Coding change: c.3347C>G on transcript NM_006059.4 (MANE Select); coding-DNA position 3347, C replaced by G.
Protein change: p.Ala1116Gly; replaces alanine 1116 with glycine.
Molecular consequence: missense variant.
Genome position (GRCh38, 1-based): chr9:131,072,765, C>G. VCF-style: chr9-131072765-C-G. GRCh37 (hg19) VCF-style: chr9-133948152-C-G.
Other names: short protein forms A1116G.
Identifiers: ClinVar variation 378071 (VCV000378071.14), dbSNP rs36028197, ClinGen allele CA5287754.